The following is an entry in ClinVar:

ClinVar aggregate classification (germline): Uncertain significance. Review status: criteria provided, multiple submitters, no conflicts (2 of 4 stars). 7 submissions from 7 submitters: Uncertain significance (7). Last evaluated 2026-04-20.

Conditions:
Familial adenomatous polyposis 1 (FAP1). Also called: FAMILIAL ADENOMATOUS POLYPOSIS 1, ATTENUATED; POLYPOSIS, ADENOMATOUS INTESTINAL. Identifiers: MedGen C2713442, MONDO:0021056, OMIM 175100. Disease mechanism: loss of function.
Gastric adenocarcinoma and proximal polyposis of the stomach (GAPPS). Also called: POLYPOSIS, GASTRIC; Gastric Adenocarcinoma and Proximal Polyposis of the Stomach (GAPPS); Polyposis, gastric, Dos Santos and de Magalhaes 1980. Identifiers: Orphanet 314022, MedGen C4749917, MONDO:0017790, OMIM 619182.
Desmoid disease, hereditary (DESMD). Also called: FIBROMATOSIS, FAMILIAL INFILTRATIVE. Identifiers: Orphanet 873, MedGen C1851124, OMIM 135290. Disease mechanism: loss of function.
Hepatocellular carcinoma (HCC). Also called: Primary carcinoma of liver; HEPATOMA; LIVER CELL CARCINOMA. Identifiers: Orphanet 88673, MedGen C2239176, MONDO:0007256, OMIM 114550, HP:0001402.
Gastric cancer. Also called: Malignant tumor of stomach; Stomach cancer. Identifiers: MedGen C0024623, MeSH D013274, MONDO:0001056, OMIM 613659, HP:0012126.
Colorectal cancer. Also called: Malignant Colorectal Neoplasm; Colorectal cancer, somatic. Identifiers: MedGen C0346629, MONDO:0005575, OMIM 114500.
Hereditary cancer-predisposing syndrome. Also called: Neoplastic Syndromes, Hereditary; Hereditary Cancer Syndrome; Hereditary neoplastic syndrome; Tumor predisposition. Identifiers: Orphanet 140162, MedGen C0027672, MeSH D009386, MONDO:0015356.
Classic or attenuated familial adenomatous polyposis. Identifiers: MedGen CN372698, MONDO:0021057.

gnomAD v4.1: 10 of 1,611,850 alleles (0.00062%); highest among the groups gnomAD compares: Non-Finnish European, 0.00085%; no homozygotes.

Submissions (7):

Ambry Genetics
Classification: Uncertain significance for Hereditary cancer-predisposing syndrome. Last evaluated: 2026-04-20. Review status: criteria provided, single submitter. Criteria: Ambry Variant Classification Scheme 2023. Collection method: clinical testing. Allele origin: germline.
Comment: The p.S1820F variant (also known as c.5459C>T), located in coding exon 15 of the APC gene, results from a C to T substitution at nucleotide position 5459. The serine at codon 1820 is replaced by phenylalanine, an amino acid with highly dissimilar properties. This amino acid position is not well conserved in available vertebrate species. In addition, in silico predictors for this gene do not accurately predict pathogenicity. Missense variants in APC are not a common cause of disease (Spier I et al. Genet Med. 2024 Feb;26(2):100992). Based on the available evidence, the clinical significance of this variant remains unclear.

Labcorp Genetics (formerly Invitae), Labcorp
Classification: Uncertain significance for Familial adenomatous polyposis 1. Last evaluated: 2026-01-04. Review status: criteria provided, single submitter. Criteria: Invitae Variant Classification Sherloc (09022015). Collection method: clinical testing. Allele origin: germline.
Comment: This sequence change replaces serine, which is neutral and polar, with phenylalanine, which is neutral and non-polar, at codon 1820 of the APC protein (p.Ser1820Phe). This variant is not present in population databases (gnomAD no frequency). This variant has not been reported in the literature in individuals affected with APC-related conditions. ClinVar contains an entry for this variant (Variation ID: 411421). Invitae Evidence Modeling of protein sequence and biophysical properties (such as structural, functional, and spatial information, amino acid conservation, physicochemical variation, residue mobility, and thermodynamic stability) indicates that this missense variant is not expected to disrupt APC protein function with a negative predictive value of 95%. In summary, the available evidence is currently insufficient to determine the role of this variant in disease. Therefore, it has been classified as a Variant of Uncertain Significance.

All of Us Research Program, National Institutes of Health
Classification: Uncertain significance for Classic or attenuated familial adenomatous polyposis. Last evaluated: 2024-05-14. Review status: criteria provided, single submitter. Criteria: ACMG Guidelines, 2015. Collection method: clinical testing. Allele origin: germline. Inheritance: Autosomal dominant inheritance. Observed: 4 variant alleles, 4 heterozygotes.
Comment: This missense variant replaces serine with phenylalanine at codon 1820 of the APC protein. Computational prediction suggests that this variant may not impact protein structure and function (internally defined REVEL score threshold <= 0.5, PMID: 27666373). To our knowledge, functional studies have not been reported for this variant. This variant has not been reported in individuals affected with APC-related disorders in the literature. This variant has not been identified in the general population by the Genome Aggregation Database (gnomAD). The available evidence is insufficient to determine the role of this variant in disease conclusively. Therefore, this variant is classified as a Variant of Uncertain Significance.

This study involves interpretation of variants in research participants for the purpose of population health screening. Participant phenotype was not available at the time of variant classification. Additional details can be found in publication PMID: 35346344, PMCID: PMC8962531

Fulgent Genetics
Classification: Uncertain significance for Colorectal cancer; Hepatocellular carcinoma; Desmoid disease, hereditary; Familial adenomatous polyposis 1; Gastric cancer; Gastric adenocarcinoma and proximal polyposis of the stomach. Last evaluated: 2024-04-15. Review status: criteria provided, single submitter. Criteria: ACMG Guidelines, 2015. Collection method: clinical testing. Allele origin: germline.

Color Diagnostics, LLC DBA Color Health
Classification: Uncertain significance for Hereditary cancer-predisposing syndrome. Last evaluated: 2024-03-06. Review status: criteria provided, single submitter. Criteria: ACMG Guidelines, 2015. Collection method: clinical testing. Allele origin: germline.
Comment: This missense variant replaces serine with phenylalanine at codon 1820 of the APC protein. Computational prediction suggests that this variant may not impact protein structure and function (internally defined REVEL score threshold <= 0.5, PMID: 27666373). To our knowledge, functional studies have not been reported for this variant. This variant has not been reported in individuals affected with APC-related disorders in the literature. This variant has not been identified in the general population by the Genome Aggregation Database (gnomAD). The available evidence is insufficient to determine the role of this variant in disease conclusively. Therefore, this variant is classified as a Variant of Uncertain Significance.

Baylor Genetics
Classification: Uncertain significance for Familial adenomatous polyposis 1. Last evaluated: 2023-08-02. Review status: criteria provided, single submitter. Criteria: ACMG Guidelines, 2015. Collection method: clinical testing. Allele origin: unknown.

GeneDx
Classification: Uncertain significance. Last evaluated: 2021-05-13. Review status: criteria provided, single submitter. Criteria: GeneDx Variant Classification Process June 2021. Collection method: clinical testing. Allele origin: germline. Affected: yes.
Comment: Not observed in large population cohorts (Lek 2016); In silico analysis supports that this missense variant does not alter protein structure/function; Has not been previously published as pathogenic or benign to our knowledge

NM_000038.6(APC):c.5459C>T (p.Ser1820Phe)

Gene: APC (APC regulator of Wnt signaling pathway; plus strand). Cytogenetic location: 5q22.2.
Variant type: single nucleotide variant.
Coding change: c.5459C>T on transcript NM_000038.6 (MANE Select); coding-DNA position 5459, C replaced by T.
Protein change: p.Ser1820Phe; replaces serine 1820 with phenylalanine.
Molecular consequence: missense variant.
Genome position (GRCh38, 1-based): chr5:112,841,053, C>T. VCF-style: chr5-112841053-C-T. GRCh37 (hg19) VCF-style: chr5-112176750-C-T.
Other names: c.5459C>T, p.Ser1820Phe (NM_001127510.3, NM_001354895.2); c.5405C>T, p.Ser1802Phe (NM_001127511.3); c.5513C>T, p.Ser1838Phe (NM_001354896.2); c.5489C>T, p.Ser1830Phe (NM_001354897.2); c.5384C>T, p.Ser1795Phe (NM_001354898.2); c.5375C>T, p.Ser1792Phe (NM_001354899.2); c.5336C>T, p.Ser1779Phe (NM_001354900.2); c.5282C>T, p.Ser1761Phe (NM_001354901.2); and 5 more; short protein forms S1820F, S1802F, S1660F, S1729F, S1838F, S1694F, S1719F, S1761F.
Identifiers: ClinVar variation 411421 (VCV000411421.67), dbSNP rs879367927, ClinGen allele CA16033276.